The following is an entry in ClinVar:

ClinVar aggregate classification (germline): Likely pathogenic (1 of 4 stars; one submission).

Submission:

ARUP Laboratories, Molecular Genetics and Genomics, ARUP Laboratories
Classification: Likely pathogenic. Last evaluated: 2018-03-29. Review status: criteria provided, single submitter. Criteria: ARUP Molecular Germline Variant Investigation Process. Collection method: clinical testing. Allele origin: germline.
Comment: The F9 c.1289G>A; p.Ser430Asn variant is reported in the Factor IX variant database in one individual with Hemophilia B (see link). In addition, four other alterations at this codon (p.Ser430Thr, p.Ser430Ile, p.Ser430Cys, p.Ser430Arg; also reported with the mature protein nomenclature of amino acid 384) are reported in individuals with Hemophilia B (Factor IX variant database, Giannelli 1994, Hamasaki-Katagiri 2012, Montejo 1999, Wulff 1999). The p.Ser430Asn variant is absent from the general population databases (1000 Genomes Project, Exome Variant Server, Genome Aggregation Database), indicating it is not a common polymorphism. The serine at codon 430 is highly conserved and computational algorithms (SIFT, PolyPhen2) predict this variant to be deleterious. Based on available information, the p.Ser430Asn variant is considered likely pathogenic. REFERENCES Factor IX variant database link: Giannelli F et al. Haemophilia B: database of point mutations and short additions and deletions, fifth edition, 1994. Nucleic Acids Res. 1994 Sep;22(17):3534-46. Hamasaki-Katagiri N et al. Analysis of F9 point mutations and their correlation to severity of haemophilia B disease. Haemophilia. 2012 Nov;18(6):933-40. Montejo JM et al. Identification of twenty-one new mutations in the factor IX gene by SSCP analysis. Hum Mutat. 1999;13(2):160-5. Wulff K et al. Molecular analysis of hemophilia B in Poland: 12 novel mutations of the factor IX gene. Acta Biochim Pol. 1999;46(3):721-6.

NM_000133.4(F9):c.1289G>A (p.Ser430Asn)

Gene: F9 (coagulation factor IX; plus strand). Cytogenetic location: Xq27.1.
Variant type: single nucleotide variant.
Coding change: c.1289G>A on transcript NM_000133.4 (MANE Select); coding-DNA position 1289, G replaced by A.
Protein change: p.Ser430Asn; replaces serine 430 with asparagine.
Molecular consequence: missense variant.
Genome position (GRCh38, 1-based): chrX:139,561,974, G>A. VCF-style: chrX-139561974-G-A. GRCh37 (hg19) VCF-style: chrX-138644133-G-A.
Other names: c.1175G>A, p.Ser392Asn (NM_001313913.2); short protein forms S430N, S392N.
Identifiers: ClinVar variation 618644 (VCV000618644.8), dbSNP rs1569333062, ClinGen allele CA414447110.